The following is an entry in ClinVar:

NM_058216.3(RAD51C):c.865A>G (p.Lys289Glu)

Gene: RAD51C (RAD51 paralog C; plus strand). Cytogenetic location: 17q22.
Variant type: single nucleotide variant.
Coding change: c.865A>G on transcript NM_058216.3 (MANE Select); coding-DNA position 865, A replaced by G.
Protein change: p.Lys289Glu; replaces lysine 289 with glutamic acid.
Molecular consequence: missense variant. On other transcripts: non-coding transcript variant (1).
Genome position (GRCh38, 1-based): chr17:58,720,773, A>G. VCF-style: chr17-58720773-A-G. GRCh37 (hg19) VCF-style: chr17-56798134-A-G.
Other names: c.*293A>G (NM_058217.1); short protein forms K289E.
Identifiers: ClinVar variation 2155830 (VCV002155830.4), dbSNP rs2509337057, ClinGen allele CA400359498.

ClinVar aggregate classification (germline): Uncertain significance (1 of 4 stars; one submission).

Conditions:
Fanconi anemia complementation group O. Also called: RAD51C-Related Fanconi Anemia. Identifiers: Orphanet 84, MedGen C3150653, MONDO:0013248, OMIM 613390.

Submission:

Labcorp Genetics (formerly Invitae), Labcorp
Classification: Uncertain significance for Fanconi anemia complementation group O. Last evaluated: 2024-06-10. Review status: criteria provided, single submitter. Criteria: Invitae Variant Classification Sherloc (09022015). Collection method: clinical testing. Allele origin: germline.
Comment: This sequence change replaces lysine, which is basic and polar, with glutamic acid, which is acidic and polar, at codon 289 of the RAD51C protein (p.Lys289Glu). This variant is not present in population databases (gnomAD no frequency). This variant has not been reported in the literature in individuals affected with RAD51C-related conditions. ClinVar contains an entry for this variant (Variation ID: 2155830). Advanced modeling of protein sequence and biophysical properties (such as structural, functional, and spatial information, amino acid conservation, physicochemical variation, residue mobility, and thermodynamic stability) performed at Invitae indicates that this missense variant is not expected to disrupt RAD51C protein function with a negative predictive value of 80%. In summary, the available evidence is currently insufficient to determine the role of this variant in disease. Therefore, it has been classified as a Variant of Uncertain Significance.